The following is an entry in ClinVar:

NM_000536.4(RAG2):c.283G>C (p.Gly95Arg)

Gene: RAG2 (recombination activating 2; minus strand). Cytogenetic location: 11p12.
Variant type: single nucleotide variant.
Coding change: c.283G>C on transcript NM_000536.4 (MANE Select); coding-DNA position 283, G replaced by C.
Protein change: p.Gly95Arg; replaces glycine 95 with arginine.
Molecular consequence: missense variant.
Genome position (GRCh38, 1-based): chr11:36,593,886, C>G on the plus strand (G>C on the coding strand, the complement: RAG2 is on the minus strand). VCF-style: chr11-36593886-C-G. GRCh37 (hg19) VCF-style: chr11-36615436-C-G.
Other names: c.283G>C, p.Gly95Arg (NM_001243785.2, NM_001243786.2); short protein forms G95R.
Identifiers: ClinVar variation 496621 (VCV000496621.4), dbSNP rs36001797, ClinGen allele CA380143806.

ClinVar aggregate classification (germline): Conflicting classifications of pathogenicity. Review status: criteria provided, conflicting classifications (1 of 4 stars). 2 submissions from 2 submitters: Likely pathogenic (1); Uncertain significance (1). Last evaluated 2025-05-22.

Conditions:
Histiocytic medullary reticulosis. Also called: SEVERE COMBINED IMMUNODEFICIENCY WITH HYPEREOSINOPHILIA; Omenn syndrome. Identifiers: Orphanet 39041, MedGen C2700553, MONDO:0011338, OMIM 603554.
Inborn error of immunity. Also called: Inborn errors of immunity; Primary immunodeficiency. Identifiers: Orphanet 101997, MedGen C0398686, MONDO:0003778.
Recombinase activating gene 2 deficiency. Also called: RAG2 deficiency. Identifiers: MedGen CN257931, MONDO:0000573.

Submissions (2):

Natera, Inc.
Classification: Likely pathogenic for Omenn syndrome. Last evaluated: 2025-05-22. Review status: criteria provided, single submitter. Criteria: Natera Variant Classification Schema (03/2026). Collection method: clinical testing. Allele origin: germline.
Comment: The c.283G>C variant in RAG2 is a missense variant predicted to cause substitution of glycine to arginine at amino acid 95. This variant is rare in the general population with a frequency below the threshold expected for the associated phenotype(s). Functional studies show that this variant may disrupt protein function (PMID: 29772310). Another variant at this same site results in an alteration predicted to cause a similar molecular effect has been observed in individual(s) with the associated phenotype. Computational prediction algorithms indicate this variant is likely to affect gene or protein function. Given the available evidence, this variant is classified as Likely Pathogenic.

Pediatric Immunology Service, The Chaim Sheba Medical Center at Tel HaShomer
Classification: Uncertain significance for RAG2 deficiency; Primary immunodeficiency; Omenn syndrome. Last evaluated: 2018-03-06. Review status: criteria provided, single submitter. Criteria: ACMG Guidelines, 2015. Collection method: research. Allele origin: germline. Affected: yes.

Literature cited by the submitters: PubMed 29772310 (cited by Natera, Inc.); PubMed 15025726 (cited by Pediatric Immunology Service, The Chaim Sheba Medical Center at Tel HaShomer); PubMed 10891502 (cited by Pediatric Immunology Service, The Chaim Sheba Medical Center at Tel HaShomer); PubMed 23243423 (cited by Pediatric Immunology Service, The Chaim Sheba Medical Center at Tel HaShomer).